The following is an entry in ClinVar:

NM_021957.4(GYS2):c.1791T>C (p.Asp597=)

Gene: GYS2 (glycogen synthase 2; minus strand). Cytogenetic location: 12p12.1.
Variant type: single nucleotide variant.
Coding change: c.1791T>C on transcript NM_021957.4 (MANE Select); coding-DNA position 1791, T replaced by C.
Protein change: p.Asp597=; no amino-acid change (aspartic acid 597 retained).
Molecular consequence: synonymous variant.
Genome position (GRCh38, 1-based): chr12:21,540,428, A>G on the plus strand (T>C on the coding strand, the complement: GYS2 is on the minus strand). VCF-style: chr12-21540428-A-G. GRCh37 (hg19) VCF-style: chr12-21693362-A-G.
Identifiers: ClinVar variation 379079 (VCV000379079.1), dbSNP rs1057520488, ClinGen allele CA16607188.

ClinVar aggregate classification (germline): Likely benign (1 of 4 stars; one submission).

Allele frequency attached by ClinVar (database versions not stated): gnomAD exomes below 0.00001.

Submission:

GeneDx
Classification: Likely benign. Last evaluated: 2016-05-17. Review status: criteria provided, single submitter. Criteria: GeneDx Variant Classification (06012015). Collection method: clinical testing. Allele origin: germline. Affected: yes.
Comment: This variant is considered likely benign or benign based on one or more of the following criteria: it is a conservative change, it occurs at a poorly conserved position in the protein, it is predicted to be benign by multiple in silico algorithms, and/or has population frequency not consistent with disease.